The following is an entry in ClinVar:

ClinVar aggregate classification (germline): Uncertain significance. Review status: criteria provided, multiple submitters, no conflicts (2 of 4 stars). 2 submissions from 2 submitters: Uncertain significance (2). Last evaluated 2025-11-16.

Allele frequency attached by ClinVar (database versions not stated): gnomAD 0.00001; gnomAD exomes 0.00001 and 0.00005; TOPMed 0.00002; ExAC 0.00005.
gnomAD v4.1: 24 of 1,600,896 alleles (0.0015%); highest among the groups gnomAD compares: Admixed American, 0.014%; no homozygotes.

Submissions (2):

Labcorp Genetics (formerly Invitae), Labcorp
Classification: Uncertain significance. Last evaluated: 2025-11-16. Review status: criteria provided, single submitter. Criteria: Invitae Variant Classification Sherloc (09022015). Collection method: clinical testing. Allele origin: germline.
Comment: This sequence change replaces cysteine, which is neutral and slightly polar, with tyrosine, which is neutral and polar, at codon 230 of the SPPL2A protein (p.Cys230Tyr). This variant is present in population databases (rs772786998, gnomAD 0.05%). This variant has not been reported in the literature in individuals affected with SPPL2A-related conditions. ClinVar contains an entry for this variant (Variation ID: 1521774). An algorithm developed to predict the effect of missense changes on protein structure and function (PolyPhen-2) suggests that this variant is likely to be disruptive. In summary, the available evidence is currently insufficient to determine the role of this variant in disease. Therefore, it has been classified as a Variant of Uncertain Significance.

Ambry Genetics
Classification: Uncertain significance. Last evaluated: 2025-02-06. Review status: criteria provided, single submitter. Criteria: Ambry Variant Classification Scheme 2023. Collection method: clinical testing. Allele origin: germline.

NM_032802.4(SPPL2A):c.689G>A (p.Cys230Tyr)

Gene: SPPL2A (signal peptide peptidase like 2A; minus strand). Cytogenetic location: 15q21.2.
Variant type: single nucleotide variant.
Coding change: c.689G>A on transcript NM_032802.4 (MANE Select); coding-DNA position 689, G replaced by A.
Protein change: p.Cys230Tyr; replaces cysteine 230 with tyrosine.
Molecular consequence: missense variant.
Genome position (GRCh38, 1-based): chr15:50,739,724, C>T on the plus strand (G>A on the coding strand, the complement: SPPL2A is on the minus strand). VCF-style: chr15-50739724-C-T. GRCh37 (hg19) VCF-style: chr15-51031921-C-T.
Other names: c.689G>A (NM_032802.3); short protein forms C230Y.
Identifiers: ClinVar variation 1521774 (VCV001521774.7), dbSNP rs772786998, ClinGen allele CA7558452.